The following is an entry in ClinVar:

NM_015378.4(VPS13D):c.10448+6T>C

Gene: VPS13D (vacuolar protein sorting 13 homolog D; plus strand). Cytogenetic location: 1p36.22.
Variant type: single nucleotide variant.
Coding change: c.10448+6T>C on transcript NM_015378.4 (MANE Select); 6 bases into the intron after coding-DNA position 10448, T replaced by C.
Molecular consequence: intron variant.
Genome position (GRCh38, 1-based): chr1:12,363,253, T>C. VCF-style: chr1-12363253-T-C. GRCh37 (hg19) VCF-style: chr1-12423309-T-C.
Other names: c.10373+6T>C (NM_018156.4).
Identifiers: ClinVar variation 2247256 (VCV002247256.2), dbSNP rs747726179, ClinGen allele CA603688.

ClinVar aggregate classification (germline): Uncertain significance (1 of 4 stars; one submission).

Conditions:
Inborn genetic diseases. Identifiers: MedGen C0950123, MeSH D030342.

Allele frequency attached by ClinVar (database versions not stated): gnomAD 0.00001; TOPMed 0.00001; ExAC 0.00003.
gnomAD v4.1: 22 of 1,613,776 alleles (0.0014%); highest among the groups gnomAD compares: East Asian, 0.038%; no homozygotes.

Submission:

Ambry Genetics
Classification: Uncertain significance for Inborn genetic diseases. Last evaluated: 2021-09-24. Review status: criteria provided, single submitter. Criteria: Ambry Variant Classification Scheme 2023. Collection method: clinical testing. Allele origin: germline.
Comment: The c.10448+6T>C intronic alteration consists of a T to C substitution nucleotides after coding exon 51 in the VPS13D gene. Based on insufficient or conflicting evidence, the clinical significance of this alteration remains unclear.